The following is an entry in ClinVar:

ClinVar aggregate classification (germline): Uncertain significance (1 of 4 stars; one submission).

Submission:

Labcorp Genetics (formerly Invitae), Labcorp
Classification: Uncertain significance. Last evaluated: 2022-06-20. Review status: criteria provided, single submitter. Criteria: Invitae Variant Classification Sherloc (09022015). Collection method: clinical testing. Allele origin: germline.
Comment: In summary, the available evidence is currently insufficient to determine the role of this variant in disease. Therefore, it has been classified as a Variant of Uncertain Significance. Algorithms developed to predict the effect of sequence changes on RNA splicing suggest that this variant may create or strengthen a splice site. Experimental studies and prediction algorithms are not available or were not evaluated, and the functional significance of this variant is currently unknown. ClinVar contains an entry for this variant (Variation ID: 1025997). This variant has not been reported in the literature in individuals affected with CDH23-related conditions. This variant is not present in population databases (gnomAD no frequency). This variant, c.2788_2808dup, results in the insertion of 7 amino acid(s) of the CDH23 protein (p.Pro930_Met936dup), but otherwise preserves the integrity of the reading frame.

NM_022124.6(CDH23):c.2788_2808dup (p.Pro930_Met936dup)

Gene: CDH23 (cadherin related 23; plus strand). Cytogenetic location: 10q22.1.
Variant type: Duplication.
Coding change: c.2788_2808dup on transcript NM_022124.6 (MANE Select); coding-DNA positions 2788 to 2808, 21 bases duplicated (CCGGTGGGCATGCCCCGCATG).
Protein change: p.Pro930_Met936dup.
Molecular consequence: inframe insertion.
Genome position (GRCh38, 1-based): chr10:71,704,965-71,704,985, CCGGTGGGCATGCCCCGCATG duplicated; duplicating any 21 consecutive bases within chr10:71,704,958-71,704,985 gives the same sequence; the c. name uses the placement nearest the transcript's 3' end. VCF-style (leftmost placement, unchanged base first): chr10-71704957-A-ACCGCATGCCGGTGGGCATGCC. GRCh37 (hg19) VCF-style: chr10-73464714-A-ACCGCATGCCGGTGGGCATGCC.
Other names: c.2788_2808dup, p.Pro930_Met936dup (NM_001171930.2, NM_001171931.2).
Identifiers: ClinVar variation 1025997 (VCV001025997.5), dbSNP rs1865723108, ClinGen allele CA1918835268.